The following is an entry in ClinVar:

NM_000277.3(PAH):c.610dup (p.Tyr204fs)

Gene: PAH (phenylalanine hydroxylase; minus strand). Cytogenetic location: 12q23.2.
Variant type: Duplication.
Coding change: c.610dup on transcript NM_000277.3 (MANE Select); coding-DNA position 610, one base duplicated (T; older notation c.610dupT).
Protein change: p.Tyr204fs; shifts the reading frame from tyrosine 204.
Molecular consequence: frameshift variant.
Genome position (GRCh38, 1-based): chr12:102,855,232, A duplicated on the plus strand (T on the coding strand, the reverse complement: PAH is on the minus strand). VCF-style (leftmost placement, unchanged base first): chr12-102855231-T-TA. GRCh37 (hg19) VCF-style: chr12-103249009-T-TA.
Other names: c.610dup, p.Tyr204fs (NM_001354304.2); short protein forms Y204fs.
Identifiers: ClinVar variation 551260 (VCV000551260.10), dbSNP rs1555204711, ClinGen allele CA658821468.

ClinVar aggregate classification (germline): Pathogenic. Review status: criteria provided, single submitter (1 of 4 stars). 2 submissions from 2 submitters: Pathogenic (1). 1 of the submissions does not count toward it. Last evaluated 2021-07-28.

Conditions:
Phenylketonuria (PKU). Also called: Phenylketonurias; Phenylketonuria (PKU); OLIGOPHRENIA PHENYLPYRUVICA; FOLLING DISEASE. Identifiers: Orphanet 716, MedGen C0031485, MONDO:0009861, OMIM 261600. Disease mechanism: loss of function.

Submissions (2):

Labcorp Genetics (formerly Invitae), Labcorp
Classification: Pathogenic for Phenylketonuria. Last evaluated: 2021-07-28. Review status: criteria provided, single submitter. Criteria: Invitae Variant Classification Sherloc (09022015). Collection method: clinical testing. Allele origin: germline.
Comment: This variant is not present in population databases (ExAC no frequency). This sequence change creates a premature translational stop signal (p.Tyr204Leufs*2) in the PAH gene. It is expected to result in an absent or disrupted protein product. Loss-of-function variants in PAH are known to be pathogenic (PMID: 1301187, 9634518). This variant has not been reported in the literature in individuals affected with PAH-related conditions. For these reasons, this variant has been classified as Pathogenic. ClinVar contains an entry for this variant (Variation ID: 551260).

Counsyl
Classification: Likely pathogenic for Phenylketonuria. Last evaluated: 2017-03-28. Review status: no assertion criteria provided. Collection method: clinical testing. Allele origin: unknown. Not counted in ClinVar's aggregate classification.

Literature cited by the submitters: PubMed 1301187 (cited by Labcorp Genetics (formerly Invitae), Labcorp); PubMed 9634518 (cited by Labcorp Genetics (formerly Invitae), Labcorp).